The following is an entry in ClinVar:

ClinVar aggregate classification (germline): Uncertain significance (1 of 4 stars; one submission).

Conditions:
Nemaline myopathy 6 (NEM6). Also called: Nemaline myopathy 6, autosomal dominant. Identifiers: Orphanet 171439, MedGen C1836472, MONDO:0012237, OMIM 609273.

Allele frequency attached by ClinVar (database versions not stated): gnomAD 0.00001; TOPMed 0.00002.

Submission:

Labcorp Genetics (formerly Invitae), Labcorp
Classification: Uncertain significance for Nemaline myopathy 6. Last evaluated: 2018-10-14. Review status: criteria provided, single submitter. Criteria: Invitae Variant Classification Sherloc (09022015). Collection method: clinical testing. Allele origin: germline.
Comment: Algorithms developed to predict the effect of missense changes on protein structure and function output the following: SIFT: "Tolerated"; PolyPhen-2: "Benign"; Align-GVGD: "Class C0". The valine amino acid residue is found in multiple mammalian species, suggesting that this missense change does not adversely affect protein function. These predictions have not been confirmed by published functional studies and their clinical significance is uncertain. In summary, the available evidence is currently insufficient to determine the role of this variant in disease. Therefore, it has been classified as a Variant of Uncertain Significance. This variant has not been reported in the literature in individuals with KBTBD13-related disease. This sequence change replaces alanine with valine at codon 186 of the KBTBD13 protein (p.Ala186Val). The alanine residue is weakly conserved and there is a small physicochemical difference between alanine and valine. The frequency data for this variant in the population databases is considered unreliable, as metrics indicate insufficient coverage at this position in the ExAC database.

NM_001101362.3(KBTBD13):c.557C>T (p.Ala186Val)

Gene: KBTBD13 (kelch repeat and BTB domain containing 13; plus strand). Cytogenetic location: 15q22.31.
Variant type: single nucleotide variant.
Coding change: c.557C>T on transcript NM_001101362.3 (MANE Select); coding-DNA position 557, C replaced by T.
Protein change: p.Ala186Val; replaces alanine 186 with valine.
Molecular consequence: missense variant.
Genome position (GRCh38, 1-based): chr15:65,077,372, C>T. VCF-style: chr15-65077372-C-T. GRCh37 (hg19) VCF-style: chr15-65369710-C-T.
Other names: short protein forms A186V.
Identifiers: ClinVar variation 660867 (VCV000660867.8), dbSNP rs1435148449, ClinGen allele CA392861494.
Genomic context (GRCh38, chr15:65,077,372, plus strand): 5'-CGCCCGGCTTCCTGGAGGACGCCTCGCGCACGCTGTGTTACCTGGACGAGGAAGAGGACG[C>T]GTGGCGCACGCTGGCTGCGCTGCCCCTGGAGGCCAGCACGTTGCTGGCCGGGGTGGCCAC-3'
Protein context (NP_001094832.1, residues 176-196): TLCYLDEEED[Ala186Val]WRTLAALPLE